The following is an entry in ClinVar:

NM_001382567.1(STIM1):c.1798G>T (p.Val600Leu)

Gene: STIM1 (stromal interaction molecule 1; plus strand). Cytogenetic location: 11p15.4.
Variant type: single nucleotide variant.
Coding change: c.1798G>T on transcript NM_001382567.1 (MANE Select); coding-DNA position 1798, G replaced by T.
Protein change: p.Val600Leu; replaces valine 600 with leucine.
Molecular consequence: missense variant. On other transcripts: 3 prime UTR variant (4), non-coding transcript variant (3).
Genome position (GRCh38, 1-based): chr11:4,091,445, G>T. VCF-style: chr11-4091445-G-T. GRCh37 (hg19) VCF-style: chr11-4112675-G-T.
Other names: c.1726G>T, p.Val576Leu (NM_001382568.1); c.1570G>T, p.Val524Leu (NM_001382569.1); c.1477G>T, p.Val493Leu (NM_001382570.1); c.1225G>T, p.Val409Leu (NM_001382571.1); c.1483G>T, p.Val495Leu (NM_001382575.1, NM_001382576.1, NM_001382577.1); c.*119G>T (NM_001382578.1, NM_001382579.1, NM_001382580.1 and 1 more transcripts); c.1216G>T, p.Val406Leu (NM_001382581.1); c.1705G>T, p.Val569Leu (NM_003156.4); and 2 more; short protein forms V406L, V409L, V493L, V495L, V524L, V569L, V576L, V600L.
Identifiers: ClinVar variation 1052708 (VCV001052708.9), dbSNP rs527880533, ClinGen allele CA379197011.

ClinVar aggregate classification (germline): Uncertain significance (1 of 4 stars; one submission).

Conditions:
Stormorken syndrome (STRMK). Also called: THROMBOCYTOPATHY, ASPLENIA, AND MIOSIS. Identifiers: Orphanet 3204, MedGen C1861451, MONDO:0008497, OMIM 185070.
Combined immunodeficiency due to STIM1 deficiency. Also called: STIM1 DEFICIENCY; IMMUNODEFICIENCY 10. Identifiers: Orphanet 169090, Orphanet 317430, MedGen C2748557, MONDO:0013008, OMIM 612783.
Myopathy with tubular aggregates (TAM). Also called: Tubular Aggregate Myopathy. Identifiers: Orphanet 2593, MedGen C0410207, MONDO:0008051.

Submission:

Labcorp Genetics (formerly Invitae), Labcorp
Classification: Uncertain significance for Myopathy with tubular aggregates; Combined immunodeficiency due to STIM1 deficiency; Stormorken syndrome. Last evaluated: 2020-06-21. Review status: criteria provided, single submitter. Criteria: Invitae Variant Classification Sherloc (09022015). Collection method: clinical testing. Allele origin: germline.
Comment: This variant is not present in population databases (ExAC no frequency). This sequence change replaces valine with leucine at codon 569 of the STIM1 protein (p.Val569Leu). The valine residue is weakly conserved and there is a small physicochemical difference between valine and leucine. In summary, the available evidence is currently insufficient to determine the role of this variant in disease. Therefore, it has been classified as a Variant of Uncertain Significance. Algorithms developed to predict the effect of missense changes on protein structure and function output the following: SIFT: "Tolerated"; PolyPhen-2: "Benign"; Align-GVGD: "Class C0". The leucine amino acid residue is found in multiple mammalian species, suggesting that this missense change does not adversely affect protein function. These predictions have not been confirmed by published functional studies and their clinical significance is uncertain. This variant has not been reported in the literature in individuals with STIM1-related conditions.